The following is an entry in ClinVar:

ClinVar aggregate classification (germline): Uncertain significance (1 of 4 stars; one submission).

Conditions:
Neuronal ceroid lipofuscinosis 7 (CLN7). Also called: MFSD8-Related Neuronal Ceroid-Lipofuscinosis. Identifiers: Orphanet 168491, Orphanet 228366, MedGen C1838571, MONDO:0012588, OMIM 610951.

Allele frequency attached by ClinVar (database versions not stated): gnomAD exomes below 0.00001.
gnomAD v4.1: 2 of 1,614,152 alleles (0.00012%); highest among the groups gnomAD compares: Non-Finnish European, 0.00017%; no homozygotes.

Submission:

Labcorp Genetics (formerly Invitae), Labcorp
Classification: Uncertain significance for Neuronal ceroid lipofuscinosis 7. Last evaluated: 2022-02-19. Review status: criteria provided, single submitter. Criteria: Invitae Variant Classification Sherloc (09022015). Collection method: clinical testing. Allele origin: germline.
Comment: This sequence change replaces leucine, which is neutral and non-polar, with valine, which is neutral and non-polar, at codon 107 of the MFSD8 protein (p.Leu107Val). This variant is not present in population databases (gnomAD no frequency). This variant has not been reported in the literature in individuals affected with MFSD8-related conditions. Algorithms developed to predict the effect of missense changes on protein structure and function are either unavailable or do not agree on the potential impact of this missense change (SIFT: "Deleterious"; PolyPhen-2: "Probably Damaging"; Align-GVGD: "Class C0"). In summary, the available evidence is currently insufficient to determine the role of this variant in disease. Therefore, it has been classified as a Variant of Uncertain Significance.

NM_001371596.2(MFSD8):c.319C>G (p.Leu107Val)

Gene: MFSD8 (major facilitator superfamily domain containing 8; minus strand). Cytogenetic location: 4q28.2.
Variant type: single nucleotide variant.
Coding change: c.319C>G on transcript NM_001371596.2 (MANE Select); coding-DNA position 319, C replaced by G.
Protein change: p.Leu107Val; replaces leucine 107 with valine.
Molecular consequence: missense variant.
Genome position (GRCh38, 1-based): chr4:127,943,872, G>C on the plus strand (C>G on the coding strand, the complement: MFSD8 is on the minus strand). VCF-style: chr4-127943872-G-C. GRCh37 (hg19) VCF-style: chr4-128865027-G-C.
Other names: c.319C>G, p.Leu107Val (NM_001363520.3, NM_001363521.3, NM_001371591.2 and 5 more transcripts); c.184C>G, p.Leu62Val (NM_001371590.2, NM_001371595.1, NM_001410765.1); short protein forms L107V, L62V.
Identifiers: ClinVar variation 1957543 (VCV001957543.2), dbSNP rs754403098, ClinGen allele CA105687081.